The following is an entry in ClinVar:

NM_021224.6(ZNF462):c.2131A>G (p.Lys711Glu)

Gene: ZNF462 (zinc finger protein 462; plus strand). Cytogenetic location: 9q31.2.
Variant type: single nucleotide variant.
Coding change: c.2131A>G on transcript NM_021224.6 (MANE Select); coding-DNA position 2131, A replaced by G.
Protein change: p.Lys711Glu; replaces lysine 711 with glutamic acid.
Molecular consequence: missense variant.
Genome position (GRCh38, 1-based): chr9:106,926,043, A>G. VCF-style: chr9-106926043-A-G. GRCh37 (hg19) VCF-style: chr9-109688324-A-G.
Other names: c.2131A>G, p.Lys711Glu (NM_001347997.2); short protein forms K711E.
Identifiers: ClinVar variation 5016929 (VCV005016929.1).

ClinVar aggregate classification (germline): Uncertain significance (1 of 4 stars; one submission).

gnomAD v4.1: 1 of 1,614,104 alleles (0.000062%); highest among the groups gnomAD compares: African/African-American, 0.0013%; no homozygotes.

Submission:

GeneDx
Classification: Uncertain significance. Last evaluated: 2026-03-23. Review status: criteria provided, single submitter. Criteria: GeneDx Variant Classification Process June 2021. Collection method: clinical testing. Allele origin: germline.
Comment: Not observed at significant frequency in large population cohorts (gnomAD); In silico analysis suggests that this missense variant does not alter protein structure/function; Has not been previously published as pathogenic or benign to our knowledge